The following is an entry in ClinVar:

NM_005458.8(GABBR2):c.2471C>G (p.Thr824Ser)

Gene: GABBR2 (gamma-aminobutyric acid type B receptor subunit 2; minus strand). Cytogenetic location: 9q22.33.
Variant type: single nucleotide variant.
Coding change: c.2471C>G on transcript NM_005458.8 (MANE Select); coding-DNA position 2471, C replaced by G.
Protein change: p.Thr824Ser; replaces threonine 824 with serine.
Molecular consequence: missense variant.
Genome position (GRCh38, 1-based): chr9:98,299,295, G>C on the plus strand (C>G on the coding strand, the complement: GABBR2 is on the minus strand). VCF-style: chr9-98299295-G-C. GRCh37 (hg19) VCF-style: chr9-101061577-G-C.
Other names: short protein forms T824S.
Identifiers: ClinVar variation 841011 (VCV000841011.11), dbSNP rs1830431118, ClinGen allele CA374193637.

ClinVar aggregate classification (germline): Uncertain significance. Review status: criteria provided, multiple submitters, no conflicts (2 of 4 stars). 2 submissions from 2 submitters: Uncertain significance (2). Last evaluated 2019-12-12.

Conditions:
Epileptic encephalopathy. Identifiers: MedGen C0543888, HP:0200134.
Neurodevelopmental disorder with poor language and loss of hand skills. Identifiers: MedGen C4693546, MONDO:0060659, OMIM 617903.
Developmental and epileptic encephalopathy, 59. Also called: Early infantile epileptic encephalopathy 59. Identifiers: MedGen C4693550, MONDO:0033368, OMIM 617904.
Tobacco addiction, susceptibility to. Also called: CIGARETTE HABITUATION, SUSCEPTIBILITY TO. Identifiers: MedGen C1861063, MONDO:0100460, OMIM 188890.

Submissions (2):

Labcorp Genetics (formerly Invitae), Labcorp
Classification: Uncertain significance for Epileptic encephalopathy. Last evaluated: 2019-12-12. Review status: criteria provided, single submitter. Criteria: Invitae Variant Classification Sherloc (09022015). Collection method: clinical testing. Allele origin: germline.
Comment: This sequence change replaces threonine with serine at codon 824 of the GABBR2 protein (p.Thr824Ser). The threonine residue is highly conserved and there is a small physicochemical difference between threonine and serine. In summary, the available evidence is currently insufficient to determine the role of this variant in disease. Therefore, it has been classified as a Variant of Uncertain Significance. Algorithms developed to predict the effect of missense changes on protein structure and function (SIFT, PolyPhen-2, Align-GVGD) all suggest that this variant is likely to be tolerated, but these predictions have not been confirmed by published functional studies and their clinical significance is uncertain. This variant has not been reported in the literature in individuals with GABBR2-related conditions. This variant is not present in population databases (ExAC no frequency).

Juno Genomics, Hangzhou Juno Genomics, Inc
Classification: Uncertain significance for Tobacco addiction, susceptibility to; Developmental and epileptic encephalopathy, 59; Neurodevelopmental disorder with poor language and loss of hand skills. Review status: criteria provided, single submitter. Criteria: ACMG Guidelines, 2015. Collection method: clinical testing. Allele origin: germline.
Comment: Absent from controls (or at extremely low frequency if recessive) in Genome Aggregation Database.;Missense variant in a gene that has a low rate of benign missense variation.